The following is an entry in ClinVar:

ClinVar aggregate classification (germline): Pathogenic/Likely pathogenic. Review status: criteria provided, multiple submitters, no conflicts (2 of 4 stars). 3 submissions from 3 submitters: Pathogenic (1); Likely pathogenic (1). 1 of the submissions does not count toward it. Last evaluated 2023-06-12.

Conditions:
ALG6-congenital disorder of glycosylation 1C (CDG1C). Also called: CARBOHYDRATE-DEFICIENT GLYCOPROTEIN SYNDROME, TYPE I, WITH DEFICIENT GLYCOSYLATION OF DOLICHOL-LINKED OLIGOSACCHARIDE; CARBOHYDRATE-DEFICIENT GLYCOPROTEIN SYNDROME, TYPE V; Congenital disorder of glycosylation type 1C; Congenital disorder of glycosylation, type Ic; CDG Ic. Identifiers: Orphanet 79320, MedGen C2930997, MONDO:0011291, OMIM 603147.

Submissions (3):

Baylor Genetics
Classification: Likely pathogenic for ALG6-congenital disorder of glycosylation 1C. Last evaluated: 2023-06-12. Review status: criteria provided, single submitter. Criteria: ACMG Guidelines, 2015. Collection method: clinical testing. Allele origin: unknown.

Labcorp Genetics (formerly Invitae), Labcorp
Classification: Pathogenic for ALG6-congenital disorder of glycosylation 1C. Last evaluated: 2022-03-29. Review status: criteria provided, single submitter. Criteria: Invitae Variant Classification Sherloc (09022015). Collection method: clinical testing. Allele origin: germline.
Comment: For these reasons, this variant has been classified as Pathogenic. This variant disrupts a region of the ALG6 protein in which other variant(s) (p.Ser478Pro) have been determined to be pathogenic (PMID: 10914684). This suggests that this is a clinically significant region of the protein, and that variants that disrupt it are likely to be disease-causing. ClinVar contains an entry for this variant (Variation ID: 555315). This variant has not been reported in the literature in individuals affected with ALG6-related conditions. This variant is not present in population databases (gnomAD no frequency). This sequence change creates a premature translational stop signal (p.Gln464*) in the ALG6 gene. While this is not anticipated to result in nonsense mediated decay, it is expected to disrupt the last 44 amino acid(s) of the ALG6 protein.

Counsyl
Classification: Uncertain significance for ALG6-congenital disorder of glycosylation 1C. Last evaluated: 2017-11-28. Review status: no assertion criteria provided. Collection method: clinical testing. Allele origin: unknown. Not counted in ClinVar's aggregate classification.

Literature cited by the submitters: PubMed 10914684 (cited by Labcorp Genetics (formerly Invitae), Labcorp).

NM_013339.4(ALG6):c.1390C>T (p.Gln464Ter)

Gene: ALG6 (ALG6 alpha-1,3-glucosyltransferase; plus strand). Cytogenetic location: 1p31.3.
Variant type: single nucleotide variant.
Coding change: c.1390C>T on transcript NM_013339.4 (MANE Select); coding-DNA position 1390, C replaced by T.
Protein change: p.Gln464Ter; replaces glutamine 464 with a stop codon.
Molecular consequence: nonsense.
Genome position (GRCh38, 1-based): chr1:63,436,886, C>T. VCF-style: chr1-63436886-C-T. GRCh37 (hg19) VCF-style: chr1-63902557-C-T.
Other names: c.1390C>T, p.Gln464Ter (LRG_1260t1); short protein forms Q464*.
Identifiers: ClinVar variation 555315 (VCV000555315.7), dbSNP rs1553157428, ClinGen allele CA340641636.